The following is an entry in ClinVar:

ClinVar aggregate classification (germline): Conflicting classifications of pathogenicity. Review status: criteria provided, conflicting classifications (1 of 4 stars). 3 submissions from 3 submitters: Uncertain significance (2); Likely benign (1). Last evaluated 2026-06-10.

Conditions:
KNL1-related disorder. Also called: KNL1-related condition.
Microcephaly 4, primary, autosomal recessive. Identifiers: Orphanet 2512, MedGen C1858516, MONDO:0011437, OMIM 604321.

Allele frequency attached by ClinVar (database versions not stated): gnomAD 0.00013; TOPMed 0.00026; 1000 Genomes Project 30x 0.00031; ExAC 0.00033; 1000 Genomes Project 0.00040.
gnomAD v4.1: 418 of 1,566,544 alleles (0.027%); highest among the groups gnomAD compares: Admixed American, 0.14%; no homozygotes.

Submissions (3):

PreventionGenetics, part of Exact Sciences
Classification: Likely benign for KNL1-related condition. Last evaluated: 2026-06-10. Review status: criteria provided, single submitter. Criteria: ACMG Guidelines, 2015. Collection method: clinical testing. Allele origin: germline.
Comment: This variant is classified as likely benign based on ACMG/AMP sequence variant interpretation guidelines (Richards et al. 2015 PMID: 25741868, with internal and published modifications).

GeneDx
Classification: Uncertain significance. Last evaluated: 2023-09-24. Review status: criteria provided, single submitter. Criteria: GeneDx Variant Classification Process June 2021. Collection method: clinical testing. Allele origin: germline. Affected: yes.
Comment: In silico analysis supports that this missense variant has a deleterious effect on protein structure/function; Has not been previously published as pathogenic or benign to our knowledge

Illumina Laboratory Services, Illumina
Classification: Uncertain significance for Microcephaly 4, primary, autosomal recessive. Last evaluated: 2018-01-13. Review status: criteria provided, single submitter. Criteria: ICSL Variant Classification Criteria 13 December 2019. Collection method: clinical testing. Allele origin: germline.

NM_144508.5(KNL1):c.6497C>G (p.Pro2166Arg)

Gene: KNL1 (kinetochore scaffold 1; plus strand). Cytogenetic location: 15q15.1.
Variant type: single nucleotide variant.
Coding change: c.6497C>G on transcript NM_144508.5 (MANE Select); coding-DNA position 6497, C replaced by G.
Protein change: p.Pro2166Arg; replaces proline 2166 with arginine.
Molecular consequence: missense variant.
Genome position (GRCh38, 1-based): chr15:40,657,054, C>G. VCF-style: chr15-40657054-C-G. GRCh37 (hg19) VCF-style: chr15-40949252-C-G.
Other names: c.6575C>G, p.Pro2192Arg (NM_170589.5); c.6575C>G (NM_170589.4); short protein forms P2192R, P2166R.
Identifiers: ClinVar variation 315871 (VCV000315871.9), dbSNP rs532623099, ClinGen allele CA7483751.